The following is an entry in ClinVar:

ClinVar aggregate classification (germline): Uncertain significance. Review status: criteria provided, multiple submitters, no conflicts (2 of 4 stars). 2 submissions from 2 submitters: Uncertain significance (2). Last evaluated 2025-10-02.

Conditions:
Inborn genetic diseases. Identifiers: MedGen C0950123, MeSH D030342.

gnomAD v4.1: 6 of 1,281,740 alleles (0.00047%); highest among the groups gnomAD compares: Non-Finnish European, 0.00049%; no homozygotes.

Submissions (2):

Ambry Genetics
Classification: Uncertain significance for Inborn genetic diseases. Last evaluated: 2025-10-02. Review status: criteria provided, single submitter. Criteria: Ambry Variant Classification Scheme 2023. Collection method: clinical testing. Allele origin: germline.

Labcorp Genetics (formerly Invitae), Labcorp
Classification: Uncertain significance. Last evaluated: 2024-05-27. Review status: criteria provided, single submitter. Criteria: Invitae Variant Classification Sherloc (09022015). Collection method: clinical testing. Allele origin: germline.
Comment: This sequence change replaces serine, which is neutral and polar, with phenylalanine, which is neutral and non-polar, at codon 87 of the SLC12A2 protein (p.Ser87Phe). This variant is not present in population databases (gnomAD no frequency). This variant has not been reported in the literature in individuals affected with SLC12A2-related conditions. Advanced modeling of protein sequence and biophysical properties (such as structural, functional, and spatial information, amino acid conservation, physicochemical variation, residue mobility, and thermodynamic stability) performed at Invitae indicates that this missense variant is not expected to disrupt SLC12A2 protein function with a negative predictive value of 95%. In summary, the available evidence is currently insufficient to determine the role of this variant in disease. Therefore, it has been classified as a Variant of Uncertain Significance.

NM_001046.3(SLC12A2):c.260C>T (p.Ser87Phe)

Genes: SLC12A2 (solute carrier family 12 member 2; plus strand), LOC129994526 (ATAC-STARR-seq lymphoblastoid silent region 16295; plus strand). Cytogenetic location: 5q23.3.
Variant type: single nucleotide variant.
Coding change: c.260C>T on transcript NM_001046.3 (MANE Select); coding-DNA position 260, C replaced by T.
Protein change: p.Ser87Phe; replaces serine 87 with phenylalanine.
Molecular consequence: missense variant. On other transcripts: non-coding transcript variant (1).
Genome position (GRCh38, 1-based): chr5:128,084,214, C>T. VCF-style: chr5-128084214-C-T. GRCh37 (hg19) VCF-style: chr5-127419906-C-T.
Other names: c.260C>T, p.Ser87Phe (NM_001256461.2); c.260C>T (NM_001046.2); short protein forms S87F.
Identifiers: ClinVar variation 3701332 (VCV003701332.2).